The following is an entry in ClinVar:

ClinVar aggregate classification (germline): Uncertain significance (1 of 4 stars; one submission).

Conditions:
Congenital myasthenic syndrome 20. Also called: Myasthenic syndrome, congenital, 20, presynaptic. Identifiers: MedGen C4310694, MONDO:0014939, OMIM 617143.
Neuronopathy, distal hereditary motor, type 7A. Also called: Neuronopathy, distal hereditary motor, type viia; SPINAL MUSCULAR ATROPHY, DISTAL, WITH VOCAL CORD PARALYSIS; NEURONOPATHY, DISTAL HEREDITARY MOTOR, HARDING TYPE VIIA; NEUROPATHY, DISTAL HEREDITARY MOTOR, HARDING TYPE VIIA; Neuronopathy, distal hereditary motor, autosomal dominant 7; HARPER-YOUNG MYOPATHY. Identifiers: Orphanet 139589, MedGen C1834703, MONDO:0008024, OMIM 158580.

Allele frequency attached by ClinVar (database versions not stated): TOPMed 0.00003; gnomAD 0.00004; ExAC 0.00001; gnomAD exomes 0.00004.
gnomAD v4.1: 26 of 1,613,786 alleles (0.0016%); highest among the groups gnomAD compares: Admixed American, 0.025%; no homozygotes.

Submission:

Labcorp Genetics (formerly Invitae), Labcorp
Classification: Uncertain significance for Neuronopathy, distal hereditary motor, type 7A; Congenital myasthenic syndrome 20. Last evaluated: 2025-12-08. Review status: criteria provided, single submitter. Criteria: Invitae Variant Classification Sherloc (09022015). Collection method: clinical testing. Allele origin: germline.
Comment: This sequence change replaces serine, which is neutral and polar, with phenylalanine, which is neutral and non-polar, at codon 441 of the SLC5A7 protein (p.Ser441Phe). This variant is present in population databases (rs754554826, gnomAD 0.03%). This variant has not been reported in the literature in individuals affected with SLC5A7-related conditions. ClinVar contains an entry for this variant (Variation ID: 580577). Invitae Evidence Modeling of protein sequence and biophysical properties (such as structural, functional, and spatial information, amino acid conservation, physicochemical variation, residue mobility, and thermodynamic stability) indicates that this missense variant is not expected to disrupt SLC5A7 protein function with a negative predictive value of 80%. In summary, the available evidence is currently insufficient to determine the role of this variant in disease. Therefore, it has been classified as a Variant of Uncertain Significance.

NM_021815.5(SLC5A7):c.1322C>T (p.Ser441Phe)

Gene: SLC5A7 (solute carrier family 5 member 7; plus strand). Cytogenetic location: 2q12.3.
Variant type: single nucleotide variant.
Coding change: c.1322C>T on transcript NM_021815.5 (MANE Select); coding-DNA position 1322, C replaced by T.
Protein change: p.Ser441Phe; replaces serine 441 with phenylalanine.
Molecular consequence: missense variant.
Genome position (GRCh38, 1-based): chr2:108,010,440, C>T. VCF-style: chr2-108010440-C-T. GRCh37 (hg19) VCF-style: chr2-108626896-C-T.
Other names: c.1322C>T, p.Ser441Phe (NM_001305005.3); c.1007C>T, p.Ser336Phe (NM_001305006.3); c.581C>T, p.Ser194Phe (NM_001305007.3); short protein forms S441F, S194F, S336F.
Identifiers: ClinVar variation 580577 (VCV000580577.8), dbSNP rs754554826, ClinGen allele CA1819164.